The following is an entry in ClinVar:

ClinVar aggregate classification (germline): Likely benign (1 of 4 stars; one submission).

gnomAD v4.1: 5 of 1,598,498 alleles (0.00031%); highest among the groups gnomAD compares: South Asian, 0.0023%; no homozygotes.

Submission:

CeGaT Center for Human Genetics Tuebingen
Classification: Likely benign. Last evaluated: 2026-04-01. Review status: criteria provided, single submitter. Criteria: CeGaT Center For Human Genetics Tuebingen Variant Classification Criteria Version 2. Collection method: clinical testing. Allele origin: germline. Affected: yes. Observed: 1 variant allele.
Comment: POMT2: BP4, BP7

NM_013382.7(POMT2):c.468C>T (p.Val156=)

Gene: POMT2 (protein O-mannosyltransferase 2; minus strand). Cytogenetic location: 14q24.3.
Variant type: single nucleotide variant.
Coding change: c.468C>T on transcript NM_013382.7 (MANE Select); coding-DNA position 468, C replaced by T.
Protein change: p.Val156=; no amino-acid change (valine 156 retained).
Molecular consequence: synonymous variant.
Genome position (GRCh38, 1-based): chr14:77,304,771, G>A on the plus strand (C>T on the coding strand, the complement: POMT2 is on the minus strand). VCF-style: chr14-77304771-G-A. GRCh37 (hg19) VCF-style: chr14-77771114-G-A.
Identifiers: ClinVar variation 4873366 (VCV004873366.2).